The following is an entry in ClinVar:

NM_001354604.2(MITF):c.1032-2A>G

Gene: MITF (melanocyte inducing transcription factor; plus strand). Cytogenetic location: 3p13.
Variant type: single nucleotide variant.
Coding change: c.1032-2A>G on transcript NM_001354604.2 (MANE Select); the canonical splice acceptor site of the intron before coding-DNA position 1032, A replaced by G.
Molecular consequence: splice acceptor variant.
Genome position (GRCh38, 1-based): chr3:69,959,271, A>G. VCF-style: chr3-69959271-A-G. GRCh37 (hg19) VCF-style: chr3-70008422-A-G.
Other names: c.963-2A>G (NM_001354607.2); c.858-2A>G (NM_001354608.2, NM_001184967.2); c.1014-2A>G (NM_198159.3); c.1029-2A>G (NM_001354605.2); c.1011-2A>G (NM_001354606.2, NM_006722.3); c.966-2A>G (NM_198177.3); c.711-2A>G (NM_000248.4); c.693-2A>G (NM_198158.3); and 1 more.
Identifiers: ClinVar variation 4879962 (VCV004879962.1).
Genomic context (GRCh38, chr3:69,959,271, plus strand): 5'-TATTGAATTTTCATTGAGCCTCAAATCCTAAAAATATCTGTTTTCCTCCATTTTCATCGC[A>G]GAGACATGCGCTGGAACAAGGGAACCATCTTAAAAGCATCCGTGGACTATATCCGAAAGT-3'

ClinVar aggregate classification (germline): Pathogenic (1 of 4 stars; one submission).

Conditions:
Monogenic hearing loss.

Submission:

Genetics Laboratory, Great Ormond Street Hospital NHS Foundation Trust, North Thames Genomic Laboratory Hub
Classification: Pathogenic for Monogenic hearing loss. Last evaluated: 2026-06-04. Review status: criteria provided, single submitter. Criteria: ACGS Best Practice Guidelines for Variant Classification in Rare Disease 2024 v1.2. Collection method: clinical testing. Allele origin: germline. Affected: yes.
Comment: PS4_supporting, PM2_moderate, PVS1_very-strong